The following is an entry in ClinVar:

ClinVar aggregate classification (germline): Benign/Likely benign. Review status: criteria provided, multiple submitters, no conflicts (2 of 4 stars). 3 submissions from 3 submitters: Benign (2); Likely benign (1). Last evaluated 2025-06-01.

Allele frequency attached by ClinVar (database versions not stated): 1000 Genomes Project 30x 0.00297; gnomAD 0.00464 and 0.00459; TOPMed 0.00473; gnomAD exomes 0.00534 and 0.00679; 1000 Genomes Project 0.00300; ESP Exome Variant Server 0.00448; ExAC 0.00574.
gnomAD v4.1: 10,556 of 1,613,754 alleles (0.65%); highest among the groups gnomAD compares: Middle Eastern, 1.1%; 51 homozygotes.

Submissions (3):

CeGaT Center for Human Genetics Tuebingen
Classification: Likely benign. Last evaluated: 2025-06-01. Review status: criteria provided, single submitter. Criteria: CeGaT Center For Human Genetics Tuebingen Variant Classification Criteria Version 2. Collection method: clinical testing. Allele origin: germline. Affected: yes. Observed: 3 variant alleles.
Comment: PER3: BP4, BS2

Labcorp Genetics (formerly Invitae), Labcorp
Classification: Benign. Last evaluated: 2019-12-31. Review status: criteria provided, single submitter. Criteria: Invitae Variant Classification Sherloc (09022015). Collection method: clinical testing. Allele origin: germline.

Breakthrough Genomics
Classification: Benign. Review status: criteria provided, single submitter. Criteria: ACMG Guidelines, 2015. Collection method: not provided. Allele origin: germline. Inheritance: Autosomal dominant inheritance. Affected: yes.

NM_001377275.1(PER3):c.2273G>A (p.Ser758Asn)

Genes: PER3 (period circadian regulator 3; plus strand), LOC126805604 (CDK7 strongly-dependent group 2 enhancer GRCh37_chr1:7886590-7887789; plus strand). Cytogenetic location: 1p36.23.
Variant type: single nucleotide variant.
Coding change: c.2273G>A on transcript NM_001377275.1 (MANE Select); coding-DNA position 2273, G replaced by A.
Protein change: p.Ser758Asn; replaces serine 758 with asparagine.
Molecular consequence: missense variant.
Genome position (GRCh38, 1-based): chr1:7,827,202, G>A. VCF-style: chr1-7827202-G-A. GRCh37 (hg19) VCF-style: chr1-7887262-G-A.
Other names: c.2273G>A, p.Ser758Asn (NM_001289861.2, NM_001289862.2); c.2252G>A, p.Ser751Asn (NM_001289863.3, NM_001377276.1); c.1316G>A, p.Ser439Asn (NM_001289864.3); c.2249G>A, p.Ser750Asn (NM_016831.4); short protein forms S751N, S758N, S439N, S750N.
Identifiers: ClinVar variation 779061 (VCV000779061.29), dbSNP rs140974114, ClinGen allele CA568356.